The following is an entry in ClinVar:

ClinVar aggregate classification (germline): Pathogenic. Review status: criteria provided, single submitter (1 of 4 stars). 2 submissions from 2 submitters: Pathogenic (1). 1 of the submissions does not count toward it. Last evaluated 2019-05-05.

Conditions:
Tuberous sclerosis syndrome (TSC). Also called: Tuberous Sclerosis Complex; Tuberous sclerosis. Identifiers: Orphanet 805, MedGen C0041341, MONDO:0001734.
Tuberous sclerosis 1 (TSC1). Identifiers: Orphanet 805, MedGen C1854465, MONDO:0008612, OMIM 191100.

Submissions (2):

Labcorp Genetics (formerly Invitae), Labcorp
Classification: Pathogenic for Tuberous sclerosis 1. Last evaluated: 2019-05-05. Review status: criteria provided, single submitter. Criteria: Invitae Variant Classification Sherloc (09022015). Collection method: clinical testing. Allele origin: germline.
Comment: This sequence change creates a premature translational stop signal (p.Gln763*) in the TSC1 gene. It is expected to result in an absent or disrupted protein product. This variant is not present in population databases (ExAC no frequency). This variant has been observed in a family with tuberous sclerosis complex (PMID: 28968464). ClinVar contains an entry for this variant (Variation ID: 48932). Loss-of-function variants in TSC1 are known to be pathogenic (PMID: 10227394, 17304050). For these reasons, this variant has been classified as Pathogenic.

Tuberous sclerosis database (TSC1)
No classification provided. Condition: TSC. Review status: no classification provided. Criteria: Tuberous Sclerosis Database Assertion Criteria 2015. Collection method: curation. Allele origin: germline. Affected: yes. Not counted in ClinVar's aggregate classification.

Literature cited by the submitters: PubMed 28968464 (cited by Labcorp Genetics (formerly Invitae), Labcorp); PubMed 10227394 (cited by Labcorp Genetics (formerly Invitae), Labcorp); PubMed 17304050 (cited by Labcorp Genetics (formerly Invitae), Labcorp).

NM_000368.5(TSC1):c.2287C>T (p.Gln763Ter)

Gene: TSC1 (TSC complex subunit 1; minus strand). Cytogenetic location: 9q34.13.
Variant type: single nucleotide variant.
Coding change: c.2287C>T on transcript NM_000368.5 (MANE Select); coding-DNA position 2287, C replaced by T.
Protein change: p.Gln763Ter; replaces glutamine 763 with a stop codon.
Molecular consequence: nonsense.
Genome position (GRCh38, 1-based): chr9:132,902,709, G>A on the plus strand (C>T on the coding strand, the complement: TSC1 is on the minus strand). VCF-style: chr9-132902709-G-A. GRCh37 (hg19) VCF-style: chr9-135778096-G-A.
Other names: c.2284C>T, p.Gln762Ter (NM_001162426.2); c.2134C>T, p.Gln712Ter (NM_001162427.2); c.1924C>T, p.Gln642Ter (NM_001362177.2); short protein forms Q763*, Q642*, Q712*, Q762*.
Identifiers: ClinVar variation 48932 (VCV000048932.11), dbSNP rs118203671, ClinGen allele CA006248.